The following is an entry in ClinVar:

ClinVar aggregate classification (germline): Uncertain significance. Review status: criteria provided, single submitter (1 of 4 stars). 2 submissions from 2 submitters: Uncertain significance (1). 1 of the submissions does not count toward it. Last evaluated 2022-08-23.

Conditions:
Optic atrophy. Identifiers: MedGen C0029124, MONDO:0003608, HP:0000648.

Allele frequency attached by ClinVar (database versions not stated): gnomAD exomes 0.00001 and 0.00004; ExAC 0.00005; ESP Exome Variant Server 0.00008; gnomAD 0.00009; TOPMed 0.00009; 1000 Genomes Project 30x 0.00031; 1000 Genomes Project 0.00040.
gnomAD v4.1: 33 of 1,614,162 alleles (0.002%); highest among the groups gnomAD compares: African/African-American, 0.039%; no homozygotes.

Submissions (2):

Labcorp Genetics (formerly Invitae), Labcorp
Classification: Uncertain significance. Last evaluated: 2022-08-23. Review status: criteria provided, single submitter. Criteria: Invitae Variant Classification Sherloc (09022015). Collection method: clinical testing. Allele origin: germline.
Comment: This sequence change replaces glutamine, which is neutral and polar, with histidine, which is basic and polar, at codon 35 of the CEP19 protein (p.Gln35His). This variant is present in population databases (rs201359879, gnomAD 0.05%). This variant has not been reported in the literature in individuals affected with CEP19-related conditions. ClinVar contains an entry for this variant (Variation ID: 1011367). Algorithms developed to predict the effect of missense changes on protein structure and function are either unavailable or do not agree on the potential impact of this missense change (SIFT: "Deleterious"; PolyPhen-2: "Probably Damaging"; Align-GVGD: "Class C0"). In summary, the available evidence is currently insufficient to determine the role of this variant in disease. Therefore, it has been classified as a Variant of Uncertain Significance.

Institute of Human Genetics, Univ. Regensburg, Univ. Regensburg
Classification: Uncertain significance for Optic atrophy. Last evaluated: 2022-01-01. Review status: no assertion criteria provided. Criteria: ACMG Guidelines, 2015. Collection method: clinical testing. Allele origin: germline. Affected: yes. Not counted in ClinVar's aggregate classification.

NM_032898.5(CEP19):c.93G>C (p.Gln31His)

Gene: CEP19 (centrosomal protein 19; minus strand). Cytogenetic location: 3q29.
Variant type: single nucleotide variant.
Coding change: c.93G>C on transcript NM_032898.5 (MANE Select); coding-DNA position 93, G replaced by C.
Protein change: p.Gln31His; replaces glutamine 31 with histidine.
Molecular consequence: missense variant. On other transcripts: intron variant (1).
Genome position (GRCh38, 1-based): chr3:196,708,565, C>G on the plus strand (G>C on the coding strand, the complement: CEP19 is on the minus strand). VCF-style: chr3-196708565-C-G. GRCh37 (hg19) VCF-style: chr3-196435436-C-G.
Other names: c.93G>C, p.Gln31His (NM_001379469.1, NM_001379470.1); c.26-653G>C (NM_001379468.1); short protein forms Q31H.
Identifiers: ClinVar variation 1011367 (VCV001011367.3), dbSNP rs201359879, ClinGen allele CA2782166.